The following is an entry in ClinVar:

NM_001382391.1(CSPP1):c.18T>A (p.Asp6Glu)

Gene: CSPP1 (centrosome and spindle pole associated protein 1; plus strand). Cytogenetic location: 8q13.1.
Variant type: single nucleotide variant.
Coding change: c.18T>A on transcript NM_001382391.1 (MANE Select); coding-DNA position 18, T replaced by A.
Protein change: p.Asp6Glu; replaces aspartic acid 6 with glutamic acid.
Molecular consequence: missense variant.
Genome position (GRCh38, 1-based): chr8:67,074,270, T>A. VCF-style: chr8-67074270-T-A. GRCh37 (hg19) VCF-style: chr8-67986505-T-A.
Other names: c.18T>A, p.Asp6Glu (NM_001363131.2, NM_001363132.2, NM_001363133.2); c.126T>A, p.Asp42Glu (NM_001364869.1, NM_001364870.1, NM_024790.7); short protein forms D42E, D6E.
Identifiers: ClinVar variation 1506397 (VCV001506397.8), dbSNP rs2129541315, ClinGen allele CA371211135.
Genomic context (GRCh38, chr8:67,074,270, plus strand): 5'-TATAGATACGCTCACTGAAATTTTTTTTTAAAGAATCTGCAAAATGGCTGATAATTTGGA[T>A]GAATTTATTGAAGAGCAAAAAGCCAGATTGGCCGAAGACAAAGCAGAGTTGGAAAGTGAT-3'
Protein context (NP_001369320.1, residues 1-16): MADNL[Asp6Glu]EFIEEQKARL

ClinVar aggregate classification (germline): Uncertain significance (1 of 4 stars; one submission).

Conditions:
Joubert syndrome 21 (JBTS21). Identifiers: MedGen C3810212, MONDO:0014288, OMIM 615636.

Submission:

Labcorp Genetics (formerly Invitae), Labcorp
Classification: Uncertain significance for Joubert syndrome 21. Last evaluated: 2022-07-26. Review status: criteria provided, single submitter. Criteria: Invitae Variant Classification Sherloc (09022015). Collection method: clinical testing. Allele origin: germline.
Comment: This variant has not been reported in the literature in individuals affected with CSPP1-related conditions. This variant is not present in population databases (gnomAD no frequency). This sequence change replaces aspartic acid, which is acidic and polar, with glutamic acid, which is acidic and polar, at codon 42 of the CSPP1 protein (p.Asp42Glu). ClinVar contains an entry for this variant (Variation ID: 1506397). In summary, the available evidence is currently insufficient to determine the role of this variant in disease. Therefore, it has been classified as a Variant of Uncertain Significance. Algorithms developed to predict the effect of missense changes on protein structure and function are either unavailable or do not agree on the potential impact of this missense change (SIFT: "Tolerated"; PolyPhen-2: "Possibly Damaging"; Align-GVGD: "Class C0").